The following is an entry in ClinVar:

NM_012470.4(TNPO3):c.1369C>T (p.Pro457Ser)

Gene: TNPO3 (transportin 3; minus strand). Cytogenetic location: 7q32.1.
Variant type: single nucleotide variant.
Coding change: c.1369C>T on transcript NM_012470.4 (MANE Select); coding-DNA position 1369, C replaced by T.
Protein change: p.Pro457Ser; replaces proline 457 with serine.
Molecular consequence: missense variant. On other transcripts: non-coding transcript variant (18).
Genome position (GRCh38, 1-based): chr7:128,990,090, G>A on the plus strand (C>T on the coding strand, the complement: TNPO3 is on the minus strand). VCF-style: chr7-128990090-G-A. GRCh37 (hg19) VCF-style: chr7-128630144-G-A.
Other names: c.1369C>T, p.Pro457Ser (NM_001191028.3, NM_001382218.1, NM_001382220.1 and 1 more transcripts); c.1471C>T, p.Pro491Ser (NM_001382216.1); c.1450C>T, p.Pro484Ser (NM_001382217.1); c.1261C>T, p.Pro421Ser (NM_001382219.1); c.1225C>T, p.Pro409Ser (NM_001382221.1); c.1222C>T, p.Pro408Ser (NM_001382222.1); short protein forms P408S, P409S, P421S, P457S, P484S, P491S.
Identifiers: ClinVar variation 1027105 (VCV001027105.9), dbSNP rs1585338002, ClinGen allele CA369228843.

ClinVar aggregate classification (germline): Uncertain significance (1 of 4 stars; one submission).

Conditions:
Autosomal dominant limb-girdle muscular dystrophy type 1F (LGMDD2). Also called: MUSCULAR DYSTROPHY, LIMB-GIRDLE, AUTOSOMAL DOMINANT 2; Limb-girdle muscular dystrophy, type 1F. Identifiers: Orphanet 55595, MedGen C1842062, MONDO:0012034, OMIM 608423.

Allele frequency attached by ClinVar (database versions not stated): TOPMed below 0.00001.

Submission:

Labcorp Genetics (formerly Invitae), Labcorp
Classification: Uncertain significance for Autosomal dominant limb-girdle muscular dystrophy type 1F. Last evaluated: 2022-03-09. Review status: criteria provided, single submitter. Criteria: Invitae Variant Classification Sherloc (09022015). Collection method: clinical testing. Allele origin: germline.
Comment: This sequence change replaces proline, which is neutral and non-polar, with serine, which is neutral and polar, at codon 457 of the TNPO3 protein (p.Pro457Ser). In summary, the available evidence is currently insufficient to determine the role of this variant in disease. Therefore, it has been classified as a Variant of Uncertain Significance. Algorithms developed to predict the effect of missense changes on protein structure and function (SIFT, PolyPhen-2, Align-GVGD) all suggest that this variant is likely to be tolerated. This variant is not present in population databases (gnomAD no frequency). This variant has not been reported in the literature in individuals affected with TNPO3-related conditions. ClinVar contains an entry for this variant (Variation ID: 1027105).